The following is an entry in ClinVar:

NM_001378452.1(ITPR1):c.1369G>T (p.Ala457Ser)

Gene: ITPR1 (inositol 1,4,5-trisphosphate receptor type 1; plus strand). Cytogenetic location: 3p26.1.
Variant type: single nucleotide variant.
Coding change: c.1369G>T on transcript NM_001378452.1 (MANE Select); coding-DNA position 1369, G replaced by T.
Protein change: p.Ala457Ser; replaces alanine 457 with serine.
Molecular consequence: missense variant.
Genome position (GRCh38, 1-based): chr3:4,662,199, G>T. VCF-style: chr3-4662199-G-T. GRCh37 (hg19) VCF-style: chr3-4703883-G-T.
Other names: c.1369G>T, p.Ala457Ser (NM_001099952.4); c.1324G>T, p.Ala442Ser (NM_001168272.2, NM_002222.7); short protein forms A457S, A442S.
Identifiers: ClinVar variation 2122694 (VCV002122694.4), dbSNP rs774125802, ClinGen allele CA2231166.
Genomic context (GRCh38, chr3:4,662,199, plus strand): 5'-CCTGCTGAAGTTCGGGACCTGGACTTTGCCAATGATGCCAGCAAGGTGCTGGGCTCCATT[G>T]CTGGGAAGCTAGAGAAGGGCACCATCACCCAGAATGAAAGGAGGTGAGCACTCCCGCATG-3'
Protein context (NP_001365381.1, residues 447-467): NDASKVLGSI[Ala457Ser]GKLEKGTITQ

ClinVar aggregate classification (germline): Uncertain significance (1 of 4 stars; one submission).

Allele frequency attached by ClinVar (database versions not stated): ExAC 0.00001.
gnomAD v4.1: 1 of 1,612,450 alleles (0.000062%); highest among the groups gnomAD compares: Admixed American, 0.0017%; no homozygotes.

Submission:

Labcorp Genetics (formerly Invitae), Labcorp
Classification: Uncertain significance. Last evaluated: 2024-03-04. Review status: criteria provided, single submitter. Criteria: Invitae Variant Classification Sherloc (09022015). Collection method: clinical testing. Allele origin: germline.
Comment: This sequence change replaces alanine, which is neutral and non-polar, with serine, which is neutral and polar, at codon 442 of the ITPR1 protein (p.Ala442Ser). The frequency data for this variant in the population databases is considered unreliable, as metrics indicate poor data quality at this position in the gnomAD database. This variant has not been reported in the literature in individuals affected with ITPR1-related conditions. ClinVar contains an entry for this variant (Variation ID: 2122694). Advanced modeling of protein sequence and biophysical properties (such as structural, functional, and spatial information, amino acid conservation, physicochemical variation, residue mobility, and thermodynamic stability) performed at Invitae indicates that this missense variant is not expected to disrupt ITPR1 protein function with a negative predictive value of 95%. In summary, the available evidence is currently insufficient to determine the role of this variant in disease. Therefore, it has been classified as a Variant of Uncertain Significance.